The following is an entry in ClinVar:

ClinVar aggregate classification (germline): Uncertain significance (1 of 4 stars; one submission).

Conditions:
Inborn genetic diseases. Identifiers: MedGen C0950123, MeSH D030342.

Allele frequency attached by ClinVar (database versions not stated): gnomAD exomes 0.00001; TOPMed 0.00001; gnomAD 0.00002.
gnomAD v4.1: 12 of 1,613,954 alleles (0.00074%); highest among the groups gnomAD compares: Non-Finnish European, 0.001%; no homozygotes.

Submission:

Ambry Genetics
Classification: Uncertain significance for Inborn genetic diseases. Last evaluated: 2023-09-25. Review status: criteria provided, single submitter. Criteria: Ambry Variant Classification Scheme 2023. Collection method: clinical testing. Allele origin: germline.
Comment: The p.T182I variant (also known as c.545C>T), located in coding exon 5 of the EPAS1 gene, results from a C to T substitution at nucleotide position 545. The threonine at codon 182 is replaced by isoleucine, an amino acid with similar properties. This amino acid position is conserved. In addition, the in silico prediction for this alteration is inconclusive. Since supporting evidence is limited at this time, the clinical significance of this alteration remains unclear.

NM_001430.5(EPAS1):c.545C>T (p.Thr182Ile)

Genes: EPAS1 (endothelial PAS domain protein 1; plus strand), LOC126806210 (BRD4-independent group 4 enhancer GRCh37_chr2:46587586-46588785; plus strand). Cytogenetic location: 2p21.
Variant type: single nucleotide variant.
Coding change: c.545C>T on transcript NM_001430.5 (MANE Select); coding-DNA position 545, C replaced by T.
Protein change: p.Thr182Ile; replaces threonine 182 with isoleucine.
Molecular consequence: missense variant.
Genome position (GRCh38, 1-based): chr2:46,360,728, C>T. VCF-style: chr2-46360728-C-T. GRCh37 (hg19) VCF-style: chr2-46587867-C-T.
Other names: short protein forms T182I.
Identifiers: ClinVar variation 1747654 (VCV001747654.2), dbSNP rs557184790, ClinGen allele CA46545259.